The following is an entry in ClinVar:

ClinVar aggregate classification (germline): Uncertain significance (1 of 4 stars; one submission).

Conditions:
TTN-related myopathy. Identifiers: MedGen CN294812, MONDO:0100175.

gnomAD v4.1: 3 of 1,613,490 alleles (0.00019%); highest among the groups gnomAD compares: Non-Finnish European, 0.00025%; no homozygotes.

Submission:

Victorian Clinical Genetics Services, Murdoch Childrens Research Institute
Classification: Uncertain significance for TTN-related myopathy. Last evaluated: 2022-02-02. Review status: criteria provided, single submitter. Criteria: ACMG Guidelines, 2015. Collection method: clinical testing. Allele origin: germline. Inheritance: Autosomal recessive inheritance. Affected: yes.
Comment: Based on the classification scheme VCGS_Germline_v1.3.4, this variant is classified as VUS-3C. Following criteria are met: 0102 - Loss of function is known mechanism of disease in this gene. In addition, dominant-negative is also a suggested mechanism as not all truncated transcripts in dilated cardiomyopathy (DCM) undergo nonsense mediated decay (PMID: 25589632). (I) 0108 - This gene is associated with both recessive and dominant disease (OMIM). (I) 0112 - The condition associated with this gene has incomplete penetrance. Protein truncating variants in this gene are known to have reduced penetrance in DCM (PMID: 25589632). (I) 0200 - Variant is predicted to result in a missense amino acid change from cysteine to tyrosine. (I) 0251 - This variant is heterozygous. (I) 0304 - Variant is present in gnomAD (v2) <0.01 for a recessive condition (2 heterozygotes, 0 homozygotes). (SP) 0501 - Missense variant consistently predicted to be damaging by multiple in silico tools or highly conserved with a major amino acid change. (SP) 0600 - Variant is located in the annotated A-band with an exon PSI score of 100% (Cardio database). (I) 0705 - No comparable missense variants have previous evidence for pathogenicity. (I) 0807 - This variant has no previous evidence of pathogenicity. It has been identified in an individual with Leigh syndrome, who also harboured many other variants including the p.(Cys25007Tyr) in the TTN gene, however phenotype was not regarded as a match (Lake, N.J. (2018)). (I) 0905 - No published segregation evidence has been identified for this variant. (I) 1007 - No published functional evidence has been identified for this variant. (I) 1208 - Inheritance information for this variant is not currently available in this individual. (I) Legend: (SP) - Supporting pathogenic, (I) - Information, (SB) - Supporting benign

Literature cited by the submitters: PubMed 25589632.

NM_001267550.2(TTN):c.75020G>A (p.Cys25007Tyr)

Genes: TTN (titin; minus strand), TTN-AS1 (TTN antisense RNA 1; plus strand). Cytogenetic location: 2q31.2.
Variant type: single nucleotide variant.
Coding change: c.75020G>A on transcript NM_001267550.2 (MANE Select); coding-DNA position 75020, G replaced by A.
Protein change: p.Cys25007Tyr; replaces cysteine 25007 with tyrosine.
Molecular consequence: missense variant.
Genome position (GRCh38, 1-based): chr2:178,571,112, C>T on the plus strand (G>A on the coding strand, the complement: TTN is on the minus strand). VCF-style: chr2-178571112-C-T. GRCh37 (hg19) VCF-style: chr2-179435839-C-T.
Other names: c.70097G>A, p.Cys23366Tyr (NM_001256850.1); c.47825G>A, p.Cys15942Tyr (NM_003319.4); c.67316G>A, p.Cys22439Tyr (NM_133378.4); c.48200G>A, p.Cys16067Tyr (NM_133432.3); c.48401G>A, p.Cys16134Tyr (NM_133437.4); short protein forms C15942Y, C16067Y, C16134Y, C22439Y, C23366Y, C25007Y.
Identifiers: ClinVar variation 3376609 (VCV003376609.1).